The following is an entry in ClinVar:

ClinVar aggregate classification (germline): Pathogenic (1 of 4 stars; one submission).

Conditions:
Rare genetic deafness. Identifiers: Orphanet 96210, MedGen C5680250.

Submission:

Laboratory for Molecular Medicine, Mass General Brigham Personalized Medicine
Classification: Pathogenic for Rare genetic deafness. Last evaluated: 2014-03-04. Review status: criteria provided, single submitter. Criteria: LMM Criteria. Collection method: clinical testing. Allele origin: germline. Inheritance: Autosomal recessive inheritance. Observed: 5 variant alleles.
Comment: The exon 25-26 deletion in STRC has been previously reported by our laboratory i n two families with hearing loss. Larger deletions of several exons of STRC, whi ch encompass exons 25 and 26, have been reported in three individuals with heari ng loss who were either homozygous for the deletion or carried a second pathogen ic STRC variant (Francy 2011). This deletion leads to a copy number loss of exon s 25 through 26 in the STRC gene, which is predicted to lead to a truncated or a bsent protein. In summary, this variant meets our criteria to be classified as p athogenic for autosomal recessive hearing loss. It should be noted that exact br eakpoints of the detected deletion could not be determined due to limitations of the testing methodology.

Literature cited by the submitters: PubMed 22147502.

NM_153700.2(STRC):c.(?_4702)_(4993_?)del

Gene: STRC (stereocilin; minus strand). Cytogenetic location: 15q15.3.
Variant type: Deletion.
Coding change: c.(?_4702)_(4993_?)del on transcript NM_153700.2; a large deletion whose breakpoints are not mapped to the base.
Other names: c.(?_4702)_(4993_?)del (NM_153700.2).
Identifiers: ClinVar variation 165296 (VCV000165296.5).